The following is an entry in ClinVar:

NM_001165963.4(SCN1A):c.5563C>G (p.Pro1855Ala)

Genes: SCN1A (sodium voltage-gated channel alpha subunit 1; minus strand), LOC102724058 (uncharacterized LOC102724058; plus strand). Cytogenetic location: 2q24.3.
Variant type: single nucleotide variant.
Coding change: c.5563C>G on transcript NM_001165963.4 (MANE Select); coding-DNA position 5563, C replaced by G.
Protein change: p.Pro1855Ala; replaces proline 1855 with alanine.
Molecular consequence: missense variant. On other transcripts: non-coding transcript variant (1).
Genome position (GRCh38, 1-based): chr2:165,991,712, G>C on the plus strand (C>G on the coding strand, the complement: SCN1A is on the minus strand). VCF-style: chr2-165991712-G-C. GRCh37 (hg19) VCF-style: chr2-166848222-G-C.
Other names: c.5479C>G, p.Pro1827Ala (NM_001165964.3, NM_001353957.2, NM_001353958.2); c.5563C>G, p.Pro1855Ala (NM_001202435.3, NM_001353948.2); c.5530C>G, p.Pro1844Ala (NM_001353949.2, NM_006920.6, NM_001353950.2 and 2 more transcripts); c.5527C>G, p.Pro1843Ala (NM_001353954.2, NM_001353955.2); c.5476C>G, p.Pro1826Ala (NM_001353960.2); c.3121C>G, p.Pro1041Ala (NM_001353961.2); short protein forms P1041A, P1826A, P1827A, P1843A, P1844A, P1855A.
Identifiers: ClinVar variation 3618438 (VCV003618438.2).

ClinVar aggregate classification (germline): Uncertain significance (1 of 4 stars; one submission).

Conditions:
Early-infantile DEE. Also called: Early infantile epileptic encephalopathy; Ohtahara syndrome; Early infantile epileptic encephalopathy with suppression bursts. Identifiers: Orphanet 1934, MedGen C0393706, MONDO:0800491.

gnomAD v4.1: 1 of 1,613,774 alleles (0.000062%); highest among the groups gnomAD compares: East Asian, 0.0022%; no homozygotes.

Submission:

Labcorp Genetics (formerly Invitae), Labcorp
Classification: Uncertain significance for Early-infantile DEE. Last evaluated: 2025-06-18. Review status: criteria provided, single submitter. Criteria: Invitae Variant Classification Sherloc (09022015). Collection method: clinical testing. Allele origin: germline.
Comment: This sequence change replaces proline, which is neutral and non-polar, with alanine, which is neutral and non-polar, at codon 1855 of the SCN1A protein (p.Pro1855Ala). This variant is present in population databases (no rsID available, gnomAD 0.06%). This variant has not been reported in the literature in individuals affected with SCN1A-related conditions. ClinVar contains an entry for this variant (Variation ID: 3618438). Invitae Evidence Modeling of protein sequence and biophysical properties (such as structural, functional, and spatial information, amino acid conservation, physicochemical variation, residue mobility, and thermodynamic stability) indicates that this missense variant is expected to disrupt SCN1A protein function with a positive predictive value of 95%. In summary, the available evidence is currently insufficient to determine the role of this variant in disease. Therefore, it has been classified as a Variant of Uncertain Significance.